The following is an entry in ClinVar:

NM_015374.3(SUN2):c.311G>A (p.Arg104Lys)

Gene: SUN2 (Sad1 and UNC84 domain containing 2; minus strand). Cytogenetic location: 22q13.1.
Variant type: single nucleotide variant.
Coding change: c.311G>A on transcript NM_015374.3 (MANE Select); coding-DNA position 311, G replaced by A.
Protein change: p.Arg104Lys; replaces arginine 104 with lysine.
Molecular consequence: missense variant. On other transcripts: intron variant (4).
Genome position (GRCh38, 1-based): chr22:38,751,011, C>T on the plus strand (G>A on the coding strand, the complement: SUN2 is on the minus strand). VCF-style: chr22-38751011-C-T. GRCh37 (hg19) VCF-style: chr22-39147016-C-T.
Other names: c.311G>A, p.Arg104Lys (NM_001199579.2, NM_001199580.2, NM_001394427.1 and 11 more transcripts); c.356G>A, p.Arg119Lys (NM_001394429.1, NM_001394430.1); c.221G>A, p.Arg74Lys (NM_001394438.1); c.122+1496G>A (NM_001394443.1); c.286+199G>A (NM_001394439.1, NM_001394441.1, NM_001394440.1); c.311G>A (NM_015374.2); short protein forms R119K, R104K, R74K.
Identifiers: ClinVar variation 2718575 (VCV002718575.4), dbSNP rs761298006, ClinGen allele CA10235985.
Genomic context (GRCh38, chr22:38,751,011, plus strand): 5'-GTGGCCTTGCGCCCCACAAGCCCGCTGGCCCTGCTGCTCTCTGAGCCACCCGTGCCTCTC[C>T]TCCTCCGCACCCGCAGGTCCTCACCTGTGCAGGGAAGAACCAGGGGCTCTTCTGGGCCTC-3'
Protein context (NP_056189.1, residues 94-114): NWGEDLRVRR[Arg104Lys]RGTGGSESSR

ClinVar aggregate classification (germline): Uncertain significance. Review status: criteria provided, multiple submitters, no conflicts (2 of 4 stars). 2 submissions from 2 submitters: Uncertain significance (2). Last evaluated 2025-08-24.

Conditions:
Emery-Dreifuss muscular dystrophy (EDMD). Also called: Scapuloperoneal syndrome, X-linked (formerly); Humeroperoneal neuromuscular disease, (formerly). Identifiers: Orphanet 261, MedGen C0410189, MONDO:0016830.

Allele frequency attached by ClinVar (database versions not stated): gnomAD 0.00001; TOPMed 0.00001; ExAC 0.00005.
gnomAD v4.1: 27 of 1,613,376 alleles (0.0017%); highest among the groups gnomAD compares: South Asian, 0.03%; no homozygotes.

Submissions (2):

Ambry Genetics
Classification: Uncertain significance. Last evaluated: 2025-08-24. Review status: criteria provided, single submitter. Criteria: Ambry Variant Classification Scheme 2023. Collection method: clinical testing. Allele origin: germline.

Labcorp Genetics (formerly Invitae), Labcorp
Classification: Uncertain significance for Emery-Dreifuss muscular dystrophy. Last evaluated: 2023-09-19. Review status: criteria provided, single submitter. Criteria: Invitae Variant Classification Sherloc (09022015). Collection method: clinical testing. Allele origin: germline.
Comment: An algorithm developed to predict the effect of missense changes on protein structure and function (PolyPhen-2) suggests that this variant is likely to be disruptive. This sequence change replaces arginine, which is basic and polar, with lysine, which is basic and polar, at codon 104 of the SUN2 protein (p.Arg104Lys). This variant is present in population databases (rs761298006, gnomAD 0.03%). This variant has not been reported in the literature in individuals affected with SUN2-related conditions. In summary, the available evidence is currently insufficient to determine the role of this variant in disease. Therefore, it has been classified as a Variant of Uncertain Significance.